The following is an entry in ClinVar:

ClinVar aggregate classification (germline): Conflicting classifications of pathogenicity. Review status: criteria provided, conflicting classifications (1 of 4 stars). 2 submissions from 2 submitters: Likely pathogenic (1); Uncertain significance (1). Last evaluated 2026-05-12.

Conditions:
Cardiovascular phenotype. Identifiers: MedGen CN230736.

Submissions (2):

Ambry Genetics
Classification: Uncertain significance for Cardiovascular phenotype. Last evaluated: 2026-05-12. Review status: criteria provided, single submitter. Criteria: Ambry Variant Classification Scheme 2023. Collection method: clinical testing. Allele origin: germline.
Comment: The p.A820V variant (also known as c.2459C>T), located in coding exon 20 of the MYH7 gene, results from a C to T substitution at nucleotide position 2459. The alanine at codon 820 is replaced by valine, an amino acid with similar properties. This variant was reported in individual(s) with features consistent with dilated cardiomyopathy; in at least one individual, it was determined to be de novo (Ambry internal data; external communication). This amino acid position is well conserved in available vertebrate species. In addition, the in silico prediction for this alteration is inconclusive. Based on the available evidence, the clinical significance of this variant remains unclear.

GeneDx
Classification: Likely pathogenic. Last evaluated: 2024-07-15. Review status: criteria provided, single submitter. Criteria: GeneDx Variant Classification Process June 2021. Collection method: clinical testing. Allele origin: germline. Affected: yes.
Comment: Not observed at significant frequency in large population cohorts (gnomAD); In silico analysis supports that this missense variant has a deleterious effect on protein structure/function; Has not been previously published as pathogenic or benign to our knowledge; This variant is associated with the following publications: (PMID: 27532257, 29300372)

NM_000257.4(MYH7):c.2459C>T (p.Ala820Val)

Genes: MYH7 (myosin heavy chain 7; minus strand), LOC126861898 (BRD4-independent group 4 enhancer GRCh37_chr14:23893609-23894808; plus strand). Cytogenetic location: 14q11.2.
Variant type: single nucleotide variant.
Coding change: c.2459C>T on transcript NM_000257.4 (MANE Select); coding-DNA position 2459, C replaced by T.
Protein change: p.Ala820Val; replaces alanine 820 with valine.
Molecular consequence: missense variant.
Genome position (GRCh38, 1-based): chr14:23,424,989, G>A on the plus strand (C>T on the coding strand, the complement: MYH7 is on the minus strand). VCF-style: chr14-23424989-G-A. GRCh37 (hg19) VCF-style: chr14-23894198-G-A.
Other names: p.A820V:GCC>GTC; c.2459C>T (LRG_384t1); short protein forms A820V.
Identifiers: ClinVar variation 181187 (VCV000181187.4), dbSNP rs730880741, ClinGen allele CA012350.